The following is an entry in ClinVar:

ClinVar aggregate classification (germline): Uncertain significance. Review status: criteria provided, multiple submitters, no conflicts (2 of 4 stars). 2 submissions from 2 submitters: Uncertain significance (2). Last evaluated 2024-05-16.

Conditions:
Asphyxiating thoracic dystrophy 5 (SRTD5). Also called: SHORT-RIB THORACIC DYSPLASIA 5 WITH OR WITHOUT POLYDACTYLY; SHORT-RIB THORACIC DYSPLASIA 5 WITHOUT POLYDACTYLY. Identifiers: Orphanet 474, MedGen C3280598, MONDO:0013717, OMIM 614376.
Nephronophthisis 13 (NPHP13). Identifiers: Orphanet 655, MedGen C3280612, MONDO:0013718, OMIM 614377.
Cranioectodermal dysplasia 4 (CED4). Identifiers: Orphanet 1515, MedGen C3280616, MONDO:0013719, OMIM 614378.
Spermatogenic failure 72 (SPGF72). Identifiers: MedGen C5676980, MONDO:0030809, OMIM 619867.
Senior-Loken syndrome 8 (SLSN8). Identifiers: Orphanet 3156, MedGen C4225376, MONDO:0014579, OMIM 616307.

Allele frequency attached by ClinVar (database versions not stated): ExAC 0.00001; gnomAD 0.00001; gnomAD exomes 0.00001; TOPMed 0.00001; ESP Exome Variant Server 0.00008.
gnomAD v4.1: 16 of 1,610,982 alleles (0.00099%); highest among the groups gnomAD compares: Non-Finnish European, 0.001%; no homozygotes.

Submissions (2):

Fulgent Genetics
Classification: Uncertain significance for Asphyxiating thoracic dystrophy 5; Nephronophthisis 13; Cranioectodermal dysplasia 4; Senior-Loken syndrome 8; Spermatogenic failure 72. Last evaluated: 2024-05-16. Review status: criteria provided, single submitter. Criteria: ACMG Guidelines, 2015. Collection method: clinical testing. Allele origin: germline.

Labcorp Genetics (formerly Invitae), Labcorp
Classification: Uncertain significance for Senior-Loken syndrome 8; Asphyxiating thoracic dystrophy 5. Last evaluated: 2022-04-06. Review status: criteria provided, single submitter. Criteria: Invitae Variant Classification Sherloc (09022015). Collection method: clinical testing. Allele origin: germline.
Comment: In summary, the available evidence is currently insufficient to determine the role of this variant in disease. Therefore, it has been classified as a Variant of Uncertain Significance. Algorithms developed to predict the effect of missense changes on protein structure and function (SIFT, PolyPhen-2, Align-GVGD) all suggest that this variant is likely to be disruptive. This variant has not been reported in the literature in individuals affected with WDR19-related conditions. This variant is present in population databases (rs377060728, gnomAD 0.002%). This sequence change replaces tyrosine, which is neutral and polar, with cysteine, which is neutral and slightly polar, at codon 996 of the WDR19 protein (p.Tyr996Cys).

NM_025132.4(WDR19):c.2987A>G (p.Tyr996Cys)

Gene: WDR19 (WD repeat domain 19; plus strand). Cytogenetic location: 4p14.
Variant type: single nucleotide variant.
Coding change: c.2987A>G on transcript NM_025132.4 (MANE Select); coding-DNA position 2987, A replaced by G.
Protein change: p.Tyr996Cys; replaces tyrosine 996 with cysteine.
Molecular consequence: missense variant.
Genome position (GRCh38, 1-based): chr4:39,254,016, A>G. VCF-style: chr4-39254016-A-G. GRCh37 (hg19) VCF-style: chr4-39255636-A-G.
Other names: c.2507A>G, p.Tyr836Cys (NM_001317924.2); short protein forms Y836C, Y996C.
Identifiers: ClinVar variation 1881949 (VCV001881949.6), dbSNP rs377060728, ClinGen allele CA2892229.